The following is an entry in ClinVar:

NM_004655.4(AXIN2):c.1885C>G (p.Gln629Glu)

Gene: AXIN2 (axin 2; minus strand). Cytogenetic location: 17q24.1.
Variant type: single nucleotide variant.
Coding change: c.1885C>G on transcript NM_004655.4 (MANE Select); coding-DNA position 1885, C replaced by G.
Protein change: p.Gln629Glu; replaces glutamine 629 with glutamic acid.
Molecular consequence: missense variant. On other transcripts: intron variant (1).
Genome position (GRCh38, 1-based): chr17:65,536,891, G>C on the plus strand (C>G on the coding strand, the complement: AXIN2 is on the minus strand). VCF-style: chr17-65536891-G-C. GRCh37 (hg19) VCF-style: chr17-63533009-G-C.
Other names: c.1713-338C>G (NM_001363813.1); short protein forms Q629E.
Identifiers: ClinVar variation 1022360 (VCV001022360.8), dbSNP rs2043931744, ClinGen allele CA400676415.

ClinVar aggregate classification (germline): Uncertain significance (1 of 4 stars; one submission).

Conditions:
Oligodontia-cancer predisposition syndrome. Also called: TOOTH AGENESIS-COLORECTAL CANCER SYNDROME. Identifiers: Orphanet 300576, MedGen C1837750, MONDO:0012075, OMIM 608615. Disease mechanism: loss of function.

Submission:

Labcorp Genetics (formerly Invitae), Labcorp
Classification: Uncertain significance for Oligodontia-cancer predisposition syndrome. Last evaluated: 2024-10-23. Review status: criteria provided, single submitter. Criteria: Invitae Variant Classification Sherloc (09022015). Collection method: clinical testing. Allele origin: germline.
Comment: This sequence change replaces glutamine, which is neutral and polar, with glutamic acid, which is acidic and polar, at codon 629 of the AXIN2 protein (p.Gln629Glu). This variant is not present in population databases (gnomAD no frequency). This variant has not been reported in the literature in individuals affected with AXIN2-related conditions. ClinVar contains an entry for this variant (Variation ID: 1022360). Invitae Evidence Modeling of protein sequence and biophysical properties (such as structural, functional, and spatial information, amino acid conservation, physicochemical variation, residue mobility, and thermodynamic stability) indicates that this missense variant is not expected to disrupt AXIN2 protein function with a negative predictive value of 80%. In summary, the available evidence is currently insufficient to determine the role of this variant in disease. Therefore, it has been classified as a Variant of Uncertain Significance.